The following is an entry in ClinVar:

ClinVar aggregate classification (germline): Conflicting classifications of pathogenicity. Review status: criteria provided, conflicting classifications (1 of 4 stars). 2 submissions from 2 submitters: Uncertain significance (1); Likely benign (1). Last evaluated 2024-01-11.

Allele frequency attached by ClinVar (database versions not stated): TOPMed 0.00002; gnomAD 0.00004.

Submissions (2):

Ambry Genetics
Classification: Likely benign. Last evaluated: 2024-01-11. Review status: criteria provided, single submitter. Criteria: Ambry Variant Classification Scheme 2023. Collection method: clinical testing. Allele origin: germline.

Labcorp Genetics (formerly Invitae), Labcorp
Classification: Uncertain significance. Last evaluated: 2023-02-16. Review status: criteria provided, single submitter. Criteria: Invitae Variant Classification Sherloc (09022015). Collection method: clinical testing. Allele origin: germline.
Comment: This sequence change replaces proline, which is neutral and non-polar, with glutamine, which is neutral and polar, at codon 50 of the GALNT12 protein (p.Pro50Gln). The frequency data for this variant in the population databases is considered unreliable, as metrics indicate insufficient coverage at this position in the gnomAD database. This variant has not been reported in the literature in individuals affected with GALNT12-related conditions. ClinVar contains an entry for this variant (Variation ID: 819387). Algorithms developed to predict the effect of missense changes on protein structure and function output the following: SIFT: "Not Available"; PolyPhen-2: "Not Available"; Align-GVGD: "Not Available". The glutamine amino acid residue is found in multiple mammalian species, which suggests that this missense change does not adversely affect protein function. In summary, the available evidence is currently insufficient to determine the role of this variant in disease. Therefore, it has been classified as a Variant of Uncertain Significance.

NM_024642.5(GALNT12):c.149C>A (p.Pro50Gln)

Gene: GALNT12 (polypeptide N-acetylgalactosaminyltransferase 12; plus strand). Cytogenetic location: 9q22.33.
Variant type: single nucleotide variant.
Coding change: c.149C>A on transcript NM_024642.5 (MANE Select); coding-DNA position 149, C replaced by A.
Protein change: p.Pro50Gln; replaces proline 50 with glutamine.
Molecular consequence: missense variant.
Genome position (GRCh38, 1-based): chr9:98,807,847, C>A. VCF-style: chr9-98807847-C-A. GRCh37 (hg19) VCF-style: chr9-101570129-C-A.
Other names: short protein forms P50Q.
Identifiers: ClinVar variation 819387 (VCV000819387.14), dbSNP rs1431572320, ClinGen allele CA374222409.